The following is an entry in ClinVar:

NM_001367624.2(ZNF469):c.10709C>T (p.Ala3570Val)

Gene: ZNF469 (zinc finger protein 469; plus strand). Cytogenetic location: 16q24.2.
Variant type: single nucleotide variant.
Coding change: c.10709C>T on transcript NM_001367624.2 (MANE Select); coding-DNA position 10709, C replaced by T.
Protein change: p.Ala3570Val; replaces alanine 3570 with valine.
Molecular consequence: missense variant.
Genome position (GRCh38, 1-based): chr16:88,438,179, C>T. VCF-style: chr16-88438179-C-T. GRCh37 (hg19) VCF-style: chr16-88504587-C-T.
Other names: NM_001127464.1:c.10625C>T; short protein forms A3570V.
Identifiers: ClinVar variation 2068822 (VCV002068822.3), dbSNP rs776001734, ClinGen allele CA8225544.

ClinVar aggregate classification (germline): Uncertain significance. Review status: criteria provided, multiple submitters, no conflicts (2 of 4 stars). 2 submissions from 2 submitters: Uncertain significance (2). Last evaluated 2022-12-07.

Conditions:
Cardiovascular phenotype. Identifiers: MedGen CN230736.

Allele frequency attached by ClinVar (database versions not stated): gnomAD exomes 0.00004; ExAC 0.00005; TOPMed 0.00006; gnomAD 0.00007; 1000 Genomes Project 30x 0.00031.
gnomAD v4.1: 61 of 1,549,308 alleles (0.0039%); highest among the groups gnomAD compares: African/African-American, 0.011%; no homozygotes.

Submissions (2):

Ambry Genetics
Classification: Uncertain significance for Cardiovascular phenotype. Last evaluated: 2022-12-07. Review status: criteria provided, single submitter. Criteria: Ambry Variant Classification Scheme 2023. Collection method: clinical testing. Allele origin: germline.
Comment: The p.A3542V variant (also known as c.10625C>T), located in coding exon 2 of the ZNF469 gene, results from a C to T substitution at nucleotide position 10625. The alanine at codon 3542 is replaced by valine, an amino acid with similar properties. This amino acid position is poorly conserved in available vertebrate species. In addition, this alteration is predicted to be tolerated by in silico analysis. Since supporting evidence is limited at this time, the clinical significance of this alteration remains unclear.

Labcorp Genetics (formerly Invitae), Labcorp
Classification: Uncertain significance. Last evaluated: 2021-12-24. Review status: criteria provided, single submitter. Criteria: Invitae Variant Classification Sherloc (09022015). Collection method: clinical testing. Allele origin: germline.
Comment: This sequence change replaces alanine, which is neutral and non-polar, with valine, which is neutral and non-polar, at codon 3542 of the ZNF469 protein (p.Ala3542Val). This variant is present in population databases (rs776001734, gnomAD 0.01%). This variant has not been reported in the literature in individuals affected with ZNF469-related conditions. Algorithms developed to predict the effect of missense changes on protein structure and function output the following: SIFT: "Tolerated"; PolyPhen-2: "Benign"; Align-GVGD: "Class C0". The valine amino acid residue is found in multiple mammalian species, which suggests that this missense change does not adversely affect protein function. In summary, the available evidence is currently insufficient to determine the role of this variant in disease. Therefore, it has been classified as a Variant of Uncertain Significance.